The following is an entry in ClinVar:

NM_004186.5(SEMA3F):c.838C>T (p.Arg280Cys)

Gene: SEMA3F (semaphorin 3F; plus strand). Cytogenetic location: 3p21.31.
Variant type: single nucleotide variant.
Coding change: c.838C>T on transcript NM_004186.5 (MANE Select); coding-DNA position 838, C replaced by T.
Protein change: p.Arg280Cys; replaces arginine 280 with cysteine.
Molecular consequence: missense variant.
Genome position (GRCh38, 1-based): chr3:50,182,718, C>T. VCF-style: chr3-50182718-C-T. GRCh37 (hg19) VCF-style: chr3-50220151-C-T.
Other names: c.541C>T, p.Arg181Cys (NM_001318798.2); c.745C>T, p.Arg249Cys (NM_001318800.2); c.838C>T (NM_004186.3); short protein forms R181C, R249C, R280C.
Identifiers: ClinVar variation 3352348 (VCV003352348.3).

ClinVar aggregate classification (germline): Uncertain significance. Review status: criteria provided, multiple submitters, no conflicts (2 of 4 stars). 2 submissions from 2 submitters: Uncertain significance (2). Last evaluated 2025-08-22.

Conditions:
SEMA3F-related disorder. Also called: SEMA3F-related condition.

Submissions (2):

Ambry Genetics
Classification: Uncertain significance. Last evaluated: 2025-08-22. Review status: criteria provided, single submitter. Criteria: Ambry Variant Classification Scheme 2023. Collection method: clinical testing. Allele origin: germline.

PreventionGenetics, part of Exact Sciences
Classification: Uncertain significance for SEMA3F-related condition. Last evaluated: 2025-07-01. Review status: criteria provided, single submitter. Criteria: ACMG Guidelines, 2015. Collection method: clinical testing. Allele origin: germline.
Comment: The SEMA3F c.838C>T variant is predicted to result in the amino acid substitution p.Arg280Cys. To our knowledge, this variant has not been reported in the literature. This variant is reported in 0.0028% of alleles in individuals of Latino descent in gnomAD. At this time, the clinical significance of this variant is uncertain due to the absence of conclusive functional and genetic evidence.